The following is an entry in ClinVar:

NM_001368067.1(LDB3):c.440C>G (p.Ala147Gly)

Genes: LDB3 (LIM domain binding 3; plus strand), LOC110121486 (VISTA enhancer hs2143; plus strand). Cytogenetic location: 10q23.2.
Variant type: single nucleotide variant.
Coding change: c.440C>G on transcript NM_001368067.1 (MANE Plus Clinical); coding-DNA position 440, C replaced by G.
Protein change: p.Ala147Gly; replaces alanine 147 with glycine.
Molecular consequence: missense variant. On other transcripts: intron variant (5).
Genome position (GRCh38, 1-based): chr10:86,687,164, C>G. VCF-style: chr10-86687164-C-G. GRCh37 (hg19) VCF-style: chr10-88446921-C-G.
Other names: c.440C>G, p.Ala147Gly (NM_001080114.2, NM_001080116.1, NM_001368066.1 and 1 more transcripts); c.785C>G, p.Ala262Gly (NM_001171610.2, NM_001171611.2); c.690-4732C>G (NM_001368064.1, NM_001368063.1, NM_007078.3 and 2 more transcripts); short protein forms A262G, A147G.
Identifiers: ClinVar variation 3656237 (VCV003656237.2).

ClinVar aggregate classification (germline): Uncertain significance (1 of 4 stars; one submission).

Conditions:
Myofibrillar myopathy 4. Also called: Zaspopathy (type). Identifiers: Orphanet 98912, MedGen C4721886, MONDO:0012277, OMIM 609452.

Submission:

Labcorp Genetics (formerly Invitae), Labcorp
Classification: Uncertain significance for Myofibrillar myopathy 4. Last evaluated: 2024-06-11. Review status: criteria provided, single submitter. Criteria: Invitae Variant Classification Sherloc (09022015). Collection method: clinical testing. Allele origin: germline.
Comment: This sequence change replaces alanine, which is neutral and non-polar, with glycine, which is neutral and non-polar, at codon 147 of the LDB3 protein (p.Ala147Gly). This variant is not present in population databases (gnomAD no frequency). This variant has not been reported in the literature in individuals affected with LDB3-related conditions. An algorithm developed to predict the effect of missense changes on protein structure and function (PolyPhen-2) suggests that this variant is likely to be tolerated. This variant disrupts the p.Ala147 amino acid residue in LDB3. Other variant(s) that disrupt this residue have been determined to be pathogenic (PMID: 15668942, 23263837). This suggests that this residue is clinically significant, and that variants that disrupt this residue are likely to be disease-causing. In summary, the available evidence is currently insufficient to determine the role of this variant in disease. Therefore, it has been classified as a Variant of Uncertain Significance.

Literature cited by the submitters: PubMed 15668942; PubMed 23263837.